The following is an entry in ClinVar:

NM_001035.3(RYR2):c.6322A>G (p.Ile2108Val)

Gene: RYR2 (ryanodine receptor 2; plus strand). Cytogenetic location: 1q43.
Variant type: single nucleotide variant.
Coding change: c.6322A>G on transcript NM_001035.3 (MANE Select); coding-DNA position 6322, A replaced by G.
Protein change: p.Ile2108Val; replaces isoleucine 2108 with valine.
Molecular consequence: missense variant.
Genome position (GRCh38, 1-based): chr1:237,627,962, A>G. VCF-style: chr1-237627962-A-G. GRCh37 (hg19) VCF-style: chr1-237791262-A-G.
Other names: short protein forms I2108V.
Identifiers: ClinVar variation 1494507 (VCV001494507.10), dbSNP rs2148667315, ClinGen allele CA345411261.

ClinVar aggregate classification (germline): Uncertain significance. Review status: criteria provided, multiple submitters, no conflicts (2 of 4 stars). 3 submissions from 3 submitters: Uncertain significance (3). Last evaluated 2025-06-12.

Conditions:
Cardiomyopathy (CMYO). Also called: Cardiomyopathies. Identifiers: Orphanet 167848, MedGen C0878544, MONDO:0004994, HP:0001638. Inheritance: Various modes of inheritance.
Catecholaminergic polymorphic ventricular tachycardia 1. Also called: VENTRICULAR TACHYCARDIA, CATECHOLAMINERGIC POLYMORPHIC, 1, WITH OR WITHOUT ATRIAL DYSFUNCTION AND/OR DILATED CARDIOMYOPATHY; VENTRICULAR TACHYCARDIA, STRESS-INDUCED POLYMORPHIC 1; RYR2-Related Catecholaminergic Polymorphic Ventricular Tachycardia. Identifiers: Orphanet 3286, MedGen C1631597, MONDO:0011484, OMIM 604772.
Ventricular arrhythmias due to cardiac ryanodine receptor calcium release deficiency syndrome. Also called: Autosomal dominant cardiac arrhythmia (Kuhn). Identifiers: MedGen C5542154, MONDO:0020745, OMIM 115000.
Arrhythmogenic right ventricular dysplasia 2. Identifiers: MedGen C1832931.

gnomAD v4.1: 1 of 1,613,920 alleles (0.000062%); highest among the groups gnomAD compares: Non-Finnish European, 0.000085%; no homozygotes.

Submissions (3):

Color Diagnostics, LLC DBA Color Health
Classification: Uncertain significance for Cardiomyopathy. Last evaluated: 2025-06-12. Review status: criteria provided, single submitter. Criteria: ACMG Guidelines, 2015. Collection method: clinical testing. Allele origin: germline.
Comment: This missense variant replaces isoleucine with valine at codon 2108 of the RYR2 protein. Computational prediction tool is inconclusive regarding the impact of this variant on protein structure and function. To our knowledge, functional studies have not been reported for this variant. This variant has not been reported in individuals affected with RYR2-related disorders in the literature. This variant has not been identified in the general population by the Genome Aggregation Database (gnomAD). The available evidence is insufficient to determine the role of this variant in disease conclusively. Therefore, this variant is classified as a Variant of Uncertain Significance.

Labcorp Genetics (formerly Invitae), Labcorp
Classification: Uncertain significance for Catecholaminergic polymorphic ventricular tachycardia 1. Last evaluated: 2021-12-30. Review status: criteria provided, single submitter. Criteria: Invitae Variant Classification Sherloc (09022015). Collection method: clinical testing. Allele origin: germline.
Comment: Advanced modeling of protein sequence and biophysical properties (such as structural, functional, and spatial information, amino acid conservation, physicochemical variation, residue mobility, and thermodynamic stability) performed at Invitae indicates that this missense variant is expected to disrupt RYR2 protein function. This variant has not been reported in the literature in individuals affected with RYR2-related conditions. This variant is not present in population databases (gnomAD no frequency). This sequence change replaces isoleucine, which is neutral and non-polar, with valine, which is neutral and non-polar, at codon 2108 of the RYR2 protein (p.Ile2108Val). Algorithms developed to predict the effect of sequence changes on RNA splicing suggest that this variant may create or strengthen a splice site. In summary, the available evidence is currently insufficient to determine the role of this variant in disease. Therefore, it has been classified as a Variant of Uncertain Significance.

Fulgent Genetics
Classification: Uncertain significance for Ventricular arrhythmias due to cardiac ryanodine receptor calcium release deficiency syndrome; Catecholaminergic polymorphic ventricular tachycardia 1. Last evaluated: 2021-10-28. Review status: criteria provided, single submitter. Criteria: ACMG Guidelines, 2015. Collection method: clinical testing. Allele origin: unknown.